The following is an entry in ClinVar:

NM_007254.4(PNKP):c.1073G>A (p.Arg358Lys)

Gene: PNKP (polynucleotide kinase 3'-phosphatase; minus strand). Cytogenetic location: 19q13.33.
Variant type: single nucleotide variant.
Coding change: c.1073G>A on transcript NM_007254.4 (MANE Select); coding-DNA position 1073, G replaced by A.
Protein change: p.Arg358Lys; replaces arginine 358 with lysine.
Molecular consequence: missense variant.
Genome position (GRCh38, 1-based): chr19:49,862,238, C>T on the plus strand (G>A on the coding strand, the complement: PNKP is on the minus strand). VCF-style: chr19-49862238-C-T. GRCh37 (hg19) VCF-style: chr19-50365495-C-T.
Other names: short protein forms R358K.
Identifiers: ClinVar variation 648719 (VCV000648719.9), dbSNP rs1600417301, ClinGen allele CA406879903.

ClinVar aggregate classification (germline): Uncertain significance (1 of 4 stars; one submission).

Conditions:
Developmental and epileptic encephalopathy, 12 (DEE12). Identifiers: MedGen C3150988, MONDO:0013389, OMIM 613722.

Submission:

Labcorp Genetics (formerly Invitae), Labcorp
Classification: Uncertain significance for Developmental and epileptic encephalopathy, 12. Last evaluated: 2018-10-03. Review status: criteria provided, single submitter. Criteria: Invitae Variant Classification Sherloc (09022015). Collection method: clinical testing. Allele origin: germline.
Comment: In summary, the available evidence is currently insufficient to determine the role of this variant in disease. Therefore, it has been classified as a Variant of Uncertain Significance. Algorithms developed to predict the effect of missense changes on protein structure and function (SIFT, PolyPhen-2, Align-GVGD) all suggest that this variant is likely to be tolerated, but these predictions have not been confirmed by published functional studies and their clinical significance is uncertain. This variant has not been reported in the literature in individuals with PNKP-related disease. This variant is not present in population databases (ExAC no frequency). This sequence change replaces arginine with lysine at codon 358 of the PNKP protein (p.Arg358Lys). The arginine residue is weakly conserved and there is a small physicochemical difference between arginine and lysine.